The following is an entry in ClinVar:

ClinVar aggregate classification (germline): Pathogenic/Likely pathogenic. Review status: criteria provided, multiple submitters, no conflicts (2 of 4 stars). 3 submissions from 3 submitters: Pathogenic (2); Likely pathogenic (1). Last evaluated 2025-03-03.

Conditions:
CHD8-related disorder. Also called: CHD8-related disorders; CHD8-related condition.

Submissions (3):

GeneDx
Classification: Pathogenic. Last evaluated: 2025-03-03. Review status: criteria provided, single submitter. Criteria: GeneDx Variant Classification Process June 2021. Collection method: clinical testing. Allele origin: germline. Affected: yes.
Comment: Nonsense variant predicted to result in protein truncation or nonsense mediated decay in a gene for which loss of function is a known mechanism of disease; Not observed at significant frequency in large population cohorts (gnomAD); This variant is associated with the following publications: (PMID: 36182950, 33057194, 35468861, 31721432, 35982159, 28475857)

PreventionGenetics, part of Exact Sciences
Classification: Pathogenic for CHD8-related condition. Last evaluated: 2023-10-06. Review status: criteria provided, single submitter. Criteria: ACMG Guidelines, 2015. Collection method: clinical testing. Allele origin: germline.
Comment: The CHD8 c.1690C>T variant is predicted to result in premature protein termination (p.Arg564*). This variant has been reported in patients with CHD8-related intellectual developmental disorder with autism and macrocephaly (Tatton-Brown et al. 2017. PubMed ID: 28475857; Ostrowski et al. 2019. PubMed ID: 31721432; Dingemans et al. 2022. PubMed ID: 36182950). This variant has not been reported in a large population database, indicating this variant is rare. Nonsense variants in CHD8 are expected to be pathogenic. This variant is interpreted as pathogenic.

CeGaT Center for Human Genetics Tuebingen
Classification: Likely pathogenic. Last evaluated: 2017-04-01. Review status: criteria provided, single submitter. Criteria: CeGaT Center For Human Genetics Tuebingen Variant Classification Criteria Version 2. Collection method: clinical testing. Allele origin: germline. Affected: yes. Observed: 1 variant allele.

NM_001170629.2(CHD8):c.1690C>T (p.Arg564Ter)

Gene: CHD8 (chromodomain helicase DNA binding protein 8; minus strand). Cytogenetic location: 14q11.2.
Variant type: single nucleotide variant.
Coding change: c.1690C>T on transcript NM_001170629.2 (MANE Select); coding-DNA position 1690, C replaced by T.
Protein change: p.Arg564Ter; replaces arginine 564 with a stop codon.
Molecular consequence: nonsense.
Genome position (GRCh38, 1-based): chr14:21,426,154, G>A on the plus strand (C>T on the coding strand, the complement: CHD8 is on the minus strand). VCF-style: chr14-21426154-G-A. GRCh37 (hg19) VCF-style: chr14-21894313-G-A.
Other names: c.853C>T, p.Arg285Ter (NM_020920.4); short protein forms R285*, R564*.
Identifiers: ClinVar variation 392882 (VCV000392882.45), dbSNP rs1057524677, ClinGen allele CA16607587.